The following is an entry in ClinVar:

NM_138694.4(PKHD1):c.8068T>G (p.Trp2690Gly)

Gene: PKHD1 (PKHD1 ciliary IPT domain containing fibrocystin/polyductin; minus strand). Cytogenetic location: 6p12.2.
Variant type: single nucleotide variant.
Coding change: c.8068T>G on transcript NM_138694.4 (MANE Select); coding-DNA position 8068, T replaced by G.
Protein change: p.Trp2690Gly; replaces tryptophan 2690 with glycine.
Molecular consequence: missense variant.
Genome position (GRCh38, 1-based): chr6:51,847,814, A>C on the plus strand (T>G on the coding strand, the complement: PKHD1 is on the minus strand). VCF-style: chr6-51847814-A-C. GRCh37 (hg19) VCF-style: chr6-51712612-A-C.
Other names: c.8068T>G, p.Trp2690Gly (NM_170724.3); short protein forms W2690G.
Identifiers: ClinVar variation 2913009 (VCV002913009.3), dbSNP rs886061616, ClinGen allele CA364429089.
Genomic context (GRCh38, chr6:51,847,814, plus strand): 5'-TTCATCCAATTGGATACTTACCCAGATAGGTGAGTTGCCTCAGCTGGCTATTGAAGAACC[A>C]GTCACAGCCTTGGTTCTGACCTGGTGATGGAAGAAATGGAAAAGACAGACCCACTCGACT-3'
Protein context (NP_619639.3, residues 2680-2700): PSPGQNQGCD[Trp2690Gly]FFNSQLRQLT

ClinVar aggregate classification (germline): Likely pathogenic (1 of 4 stars; one submission).

Conditions:
Autosomal recessive polycystic kidney disease (ARPKD). Also called: AR polycystic kidney disease. Identifiers: Orphanet 731, Orphanet 8378, MedGen C0085548, MeSH D017044, MONDO:0009889.

Submission:

Labcorp Genetics (formerly Invitae), Labcorp
Classification: Likely pathogenic for Autosomal recessive polycystic kidney disease. Last evaluated: 2023-10-05. Review status: criteria provided, single submitter. Criteria: Invitae Variant Classification Sherloc (09022015). Collection method: clinical testing. Allele origin: germline.
Comment: This sequence change replaces tryptophan, which is neutral and slightly polar, with glycine, which is neutral and non-polar, at codon 2690 of the PKHD1 protein (p.Trp2690Gly). This variant is not present in population databases (gnomAD no frequency). This variant has not been reported in the literature in individuals affected with PKHD1-related conditions. Advanced modeling of protein sequence and biophysical properties (such as structural, functional, and spatial information, amino acid conservation, physicochemical variation, residue mobility, and thermodynamic stability) performed at Invitae indicates that this missense variant is expected to disrupt PKHD1 protein function. This variant disrupts the p.Trp2690 amino acid residue in PKHD1. Other variant(s) that disrupt this residue have been determined to be pathogenic (PMID: 14971004, 15698423, 20413436). This suggests that this residue is clinically significant, and that variants that disrupt this residue are likely to be disease-causing. In summary, the currently available evidence indicates that the variant is pathogenic, but additional data are needed to prove that conclusively. Therefore, this variant has been classified as Likely Pathogenic.

Literature cited by the submitters: PubMed 14971004; PubMed 15698423; PubMed 20413436.